The following is an entry in ClinVar:

NM_001110556.2(FLNA):c.3584T>C (p.Ile1195Thr)

Gene: FLNA (filamin A; minus strand). Cytogenetic location: Xq28.
Variant type: single nucleotide variant.
Coding change: c.3584T>C on transcript NM_001110556.2 (MANE Select); coding-DNA position 3584, T replaced by C.
Protein change: p.Ile1195Thr; replaces isoleucine 1195 with threonine.
Molecular consequence: missense variant.
Genome position (GRCh38, 1-based): chrX:154,360,211, A>G on the plus strand (T>C on the coding strand, the complement: FLNA is on the minus strand). VCF-style: chrX-154360211-A-G. GRCh37 (hg19) VCF-style: chrX-153588579-A-G.
Other names: c.3584T>C, p.Ile1195Thr (NM_001456.4); short protein forms I1195T.
Identifiers: ClinVar variation 3515887 (VCV003515887.1).

ClinVar aggregate classification (germline): Uncertain significance (1 of 4 stars; one submission).

Conditions:
Familial thoracic aortic aneurysm and aortic dissection (TAAD). Also called: Thoracic aortic aneurysms and dissections. Identifiers: Orphanet 91387, MedGen C4707243, MONDO:0019625.

gnomAD v4.1: 1 of 1,210,725 alleles (0.000083%); highest among the groups gnomAD compares: Non-Finnish European, 0.00011%; no homozygotes.

Submission:

Ambry Genetics
Classification: Uncertain significance for Familial thoracic aortic aneurysm and aortic dissection. Last evaluated: 2024-10-02. Review status: criteria provided, single submitter. Criteria: Ambry Variant Classification Scheme 2023. Collection method: clinical testing. Allele origin: germline.
Comment: The p.I1195T variant (also known as c.3584T>C), located in coding exon 21 of the FLNA gene, results from a T to C substitution at nucleotide position 3584. The isoleucine at codon 1195 is replaced by threonine, an amino acid with similar properties. This amino acid position is well conserved in available vertebrate species. In addition, this alteration is predicted to be deleterious by in silico analysis. Based on the available evidence, the clinical significance of this variant remains unclear.